The following is an entry in ClinVar:

NM_003476.5(CSRP3):c.122_123dup (p.Lys42fs)

Gene: CSRP3 (cysteine and glycine rich protein 3; minus strand). Cytogenetic location: 11p15.1.
Variant type: Duplication.
Coding change: c.122_123dup on transcript NM_003476.5 (MANE Select); coding-DNA positions 122 to 123, 2 bases duplicated (GG; older notation c.122_123dupGG).
Protein change: p.Lys42fs; shifts the reading frame from lysine 42.
Molecular consequence: frameshift variant. On other transcripts: intron variant (1).
Genome position (GRCh38, 1-based): chr11:19,188,294-19,188,295, CC duplicated on the plus strand (GG on the coding strand, the reverse complement: CSRP3 is on the minus strand). VCF-style (leftmost placement, unchanged base first): chr11-19188293-T-TCC. GRCh37 (hg19) VCF-style: chr11-19209840-T-TCC.
Other names: c.113-1947_113-1946dup (NM_001369404.1); c.122_123dup (LRG_440t1); short protein forms K42fs.
Identifiers: ClinVar variation 279792 (VCV000279792.1), dbSNP rs886041190, ClinGen allele CA10603192.

ClinVar aggregate classification (germline): Pathogenic (1 of 4 stars; one submission).

Submission:

GeneDx
Classification: Pathogenic. Last evaluated: 2015-04-10. Review status: criteria provided, single submitter. Criteria: GeneDx Variant Classification (06012015). Collection method: clinical testing. Allele origin: germline. Affected: yes.
Comment: Although the c.122_123dupGG variant in the CSRP3 gene has not been reported to our knowledge, this variant causes a shift in reading frame starting at codon Lysine 42, changing it to a Glycine, and creating a premature stop codon at position 167 of the new reading frame, denoted p.Lys42GlyfsX167. This variant is expected to result in either an abnormal, truncated protein product or loss of protein from this allele through nonsense-mediated mRNA decay. Other frameshift variants in the CSRP3 gene have been reported in HGMD in association with hypertrophic cardiomyopathy (Stenson P et al., 2014). In summary, c.122_123dupGG in the CSRP3 gene is interpreted as a pathogenic variant.